The following is an entry in ClinVar:

NM_005413.4(SIX3):c.425C>T (p.Thr142Met)

Gene: SIX3 (SIX homeobox 3; plus strand). Cytogenetic location: 2p21.
Variant type: single nucleotide variant.
Coding change: c.425C>T on transcript NM_005413.4 (MANE Select); coding-DNA position 425, C replaced by T.
Protein change: p.Thr142Met; replaces threonine 142 with methionine.
Molecular consequence: missense variant.
Genome position (GRCh38, 1-based): chr2:44,942,529, C>T. VCF-style: chr2-44942529-C-T. GRCh37 (hg19) VCF-style: chr2-45169668-C-T.
Other names: short protein forms T142M.
Identifiers: ClinVar variation 4737013 (VCV004737013.1).

ClinVar aggregate classification (germline): Uncertain significance (1 of 4 stars; one submission).

Conditions:
Holoprosencephaly 2 (HPE2). Identifiers: Orphanet 2162, MedGen C1834877, MONDO:0007999, OMIM 157170.

gnomAD v4.1: 2 of 1,598,564 alleles (0.00013%); highest among the groups gnomAD compares: Middle Eastern, 0.017%; no homozygotes.

Submission:

Labcorp Genetics (formerly Invitae), Labcorp
Classification: Uncertain significance for Holoprosencephaly 2. Last evaluated: 2025-06-10. Review status: criteria provided, single submitter. Criteria: Invitae Variant Classification Sherloc (09022015). Collection method: clinical testing. Allele origin: germline.
Comment: This sequence change replaces threonine, which is neutral and polar, with methionine, which is neutral and non-polar, at codon 142 of the SIX3 protein (p.Thr142Met). This variant is present in population databases (no rsID available, gnomAD 0.003%). This variant has not been reported in the literature in individuals affected with SIX3-related conditions. Invitae Evidence Modeling of protein sequence and biophysical properties (such as structural, functional, and spatial information, amino acid conservation, physicochemical variation, residue mobility, and thermodynamic stability) indicates that this missense variant is not expected to disrupt SIX3 protein function with a negative predictive value of 80%. In summary, the available evidence is currently insufficient to determine the role of this variant in disease. Therefore, it has been classified as a Variant of Uncertain Significance.